The following is an entry in ClinVar:

NM_015047.3(EMC1):c.544G>A (p.Gly182Ser)

Gene: EMC1 (ER membrane protein complex subunit 1; minus strand). Cytogenetic location: 1p36.13.
Variant type: single nucleotide variant.
Coding change: c.544G>A on transcript NM_015047.3 (MANE Select); coding-DNA position 544, G replaced by A.
Protein change: p.Gly182Ser; replaces glycine 182 with serine.
Molecular consequence: missense variant.
Genome position (GRCh38, 1-based): chr1:19,241,108, C>T on the plus strand (G>A on the coding strand, the complement: EMC1 is on the minus strand). VCF-style: chr1-19241108-C-T. GRCh37 (hg19) VCF-style: chr1-19567602-C-T.
Other names: c.544G>A, p.Gly182Ser (NM_001271427.2, NM_001271428.2, NM_001375820.1 and 1 more transcripts); c.478G>A, p.Gly160Ser (NM_001271429.2); c.544G>A (NM_015047.1); short protein forms G182S, G160S.
Identifiers: ClinVar variation 1372793 (VCV001372793.8), dbSNP rs201096584, ClinGen allele CA652862.

ClinVar aggregate classification (germline): Uncertain significance. Review status: criteria provided, multiple submitters, no conflicts (2 of 4 stars). 2 submissions from 2 submitters: Uncertain significance (2). Last evaluated 2025-12-14.

Conditions:
Inborn genetic diseases. Identifiers: MedGen C0950123, MeSH D030342.

Allele frequency attached by ClinVar (database versions not stated): ExAC 0.00001; gnomAD exomes 0.00002; TOPMed 0.00003; gnomAD 0.00004 and 0.00005; 1000 Genomes Project 30x 0.00016; 1000 Genomes Project 0.00020.
gnomAD v4.1: 30 of 1,614,166 alleles (0.0019%); highest among the groups gnomAD compares: Admixed American, 0.018%; no homozygotes.

Submissions (2):

Labcorp Genetics (formerly Invitae), Labcorp
Classification: Uncertain significance. Last evaluated: 2025-12-14. Review status: criteria provided, single submitter. Criteria: Invitae Variant Classification Sherloc (09022015). Collection method: clinical testing. Allele origin: germline.
Comment: This sequence change replaces glycine, which is neutral and non-polar, with serine, which is neutral and polar, at codon 182 of the EMC1 protein (p.Gly182Ser). This variant is present in population databases (rs201096584, gnomAD 0.01%). This variant has not been reported in the literature in individuals affected with EMC1-related conditions. ClinVar contains an entry for this variant (Variation ID: 1372793). Invitae Evidence Modeling of protein sequence and biophysical properties (such as structural, functional, and spatial information, amino acid conservation, physicochemical variation, residue mobility, and thermodynamic stability) indicates that this missense variant is not expected to disrupt EMC1 protein function with a negative predictive value of 80%. In summary, the available evidence is currently insufficient to determine the role of this variant in disease. Therefore, it has been classified as a Variant of Uncertain Significance.

Ambry Genetics
Classification: Uncertain significance for Inborn genetic diseases. Last evaluated: 2024-10-29. Review status: criteria provided, single submitter. Criteria: Ambry Variant Classification Scheme 2023. Collection method: clinical testing. Allele origin: germline.